The following is an entry in ClinVar:

NM_000540.3(RYR1):c.1274G>A (p.Arg425Gln)

Gene: RYR1 (ryanodine receptor 1; plus strand). Cytogenetic location: 19q13.2.
Variant type: single nucleotide variant.
Coding change: c.1274G>A on transcript NM_000540.3 (MANE Select); coding-DNA position 1274, G replaced by A.
Protein change: p.Arg425Gln; replaces arginine 425 with glutamine.
Molecular consequence: missense variant.
Genome position (GRCh38, 1-based): chr19:38,452,848, G>A. VCF-style: chr19-38452848-G-A. GRCh37 (hg19) VCF-style: chr19-38943488-G-A.
Other names: c.1274G>A, p.Arg425Gln (NM_001042723.2); short protein forms R425Q.
Identifiers: ClinVar variation 2037836 (VCV002037836.7), dbSNP rs1032622002, ClinGen allele CA308120586.

ClinVar aggregate classification (germline): Uncertain significance. Review status: criteria provided, multiple submitters, no conflicts (2 of 4 stars). 4 submissions from 4 submitters: Uncertain significance (4). Last evaluated 2025-12-01.

Conditions:
Malignant hyperthermia, susceptibility to, 1 (MHS1). Also called: RYR1-Related Malignant Hyperthermia Susceptibility; Anesthesia related hyperthermia; Malignant hyperpyrexia; Fulminating hyperpyrexia; Pharmacogenic myopathy; Malignant hyperthermia suceptibility 1. Identifiers: Orphanet 423, MedGen C2930980, MONDO:0007783, OMIM 145600.
RYR1-related disorder. Also called: RYR1-related condition; RYR1-related disorders. Identifiers: MedGen CN239331.
Inborn genetic diseases. Identifiers: MedGen C0950123, MeSH D030342.

Allele frequency attached by ClinVar (database versions not stated): gnomAD exomes 0.00001.
gnomAD v4.1: 18 of 1,604,244 alleles (0.0011%); highest among the groups gnomAD compares: Admixed American, 0.0017%; no homozygotes.

Submissions (4):

Labcorp Genetics (formerly Invitae), Labcorp
Classification: Uncertain significance for RYR1-related disorder. Last evaluated: 2025-12-01. Review status: criteria provided, single submitter. Criteria: Invitae Variant Classification Sherloc (09022015). Collection method: clinical testing. Allele origin: germline.
Comment: This sequence change replaces arginine, which is basic and polar, with glutamine, which is neutral and polar, at codon 425 of the RYR1 protein (p.Arg425Gln). The frequency data for this variant in the population databases is considered unreliable, as metrics indicate poor data quality at this position in the gnomAD database. This variant has not been reported in the literature in individuals affected with RYR1-related conditions. ClinVar contains an entry for this variant (Variation ID: 2037836). Invitae Evidence Modeling of protein sequence and biophysical properties (such as structural, functional, and spatial information, amino acid conservation, physicochemical variation, residue mobility, and thermodynamic stability) indicates that this missense variant is not expected to disrupt RYR1 protein function with a negative predictive value of 95%. In summary, the available evidence is currently insufficient to determine the role of this variant in disease. Therefore, it has been classified as a Variant of Uncertain Significance.

Ambry Genetics
Classification: Uncertain significance for Inborn genetic diseases. Last evaluated: 2024-10-24. Review status: criteria provided, single submitter. Criteria: Ambry Variant Classification Scheme 2023. Collection method: clinical testing. Allele origin: germline.

All of Us Research Program, National Institutes of Health
Classification: Uncertain significance for Malignant hyperthermia, susceptibility to, 1. Last evaluated: 2024-05-14. Review status: criteria provided, single submitter. Criteria: ACMG Guidelines, 2015. Collection method: clinical testing. Allele origin: germline. Inheritance: Autosomal dominant inheritance. Observed: 7 variant alleles, 7 heterozygotes.
Comment: This missense variant replaces arginine with glutamine at codon 425 of the RYR1 protein. Computational prediction suggests that this variant may not impact protein structure and function (internally defined REVEL score threshold <= 0.5, PMID: 27666373). To our knowledge, functional studies have not been reported for this variant. This variant has not been reported in individuals affected with RYR1-related disorders in the literature. This variant has been identified in 4/227452 chromosomes in the general population by the Genome Aggregation Database (gnomAD). The available evidence is insufficient to determine the role of this variant in disease conclusively. Therefore, this variant is classified as a Variant of Uncertain Significance.

This study involves interpretation of variants in research participants for the purpose of population health screening. Participant phenotype was not available at the time of variant classification. Additional details can be found in publication PMID: 35346344, PMCID: PMC8962531

Color Diagnostics, LLC DBA Color Health
Classification: Uncertain significance for Malignant hyperthermia, susceptibility to, 1. Last evaluated: 2024-03-06. Review status: criteria provided, single submitter. Criteria: ACMG Guidelines, 2015. Collection method: clinical testing. Allele origin: germline.
Comment: This missense variant replaces arginine with glutamine at codon 425 of the RYR1 protein. Computational prediction suggests that this variant may not impact protein structure and function. To our knowledge, functional studies have not been reported for this variant. This variant has not been reported in individuals affected with RYR1-related disorders in the literature. This variant has been identified in 4/227452 chromosomes in the general population by the Genome Aggregation Database (gnomAD). The available evidence is insufficient to determine the role of this variant in disease conclusively. Therefore, this variant is classified as a Variant of Uncertain Significance.